The following is an entry in ClinVar:

NM_194318.4(B3GLCT):c.*1329T>A

Gene: B3GLCT (beta 3-glucosyltransferase; plus strand). Cytogenetic location: 13q12.3.
Variant type: single nucleotide variant.
Coding change: c.*1329T>A on transcript NM_194318.4 (MANE Select); 1329 bases downstream of the stop codon, T replaced by A.
Molecular consequence: 3 prime UTR variant.
Genome position (GRCh38, 1-based): chr13:31,330,997, T>A. VCF-style: chr13-31330997-T-A. GRCh37 (hg19) VCF-style: chr13-31905134-T-A.
Identifiers: ClinVar variation 881999 (VCV000881999.4), dbSNP rs139507102, ClinGen allele CA247893098.

ClinVar aggregate classification (germline): Likely benign (1 of 4 stars; one submission).

Conditions:
Peters plus syndrome. Also called: KRAUSE-KIVLIN SYNDROME. Identifiers: Orphanet 709, MedGen C0796012, MONDO:0009856, OMIM 261540.

Allele frequency attached by ClinVar (database versions not stated): gnomAD 0.00225 and 0.00240; TOPMed 0.00261; 1000 Genomes Project 0.00359; 1000 Genomes Project 30x 0.00453.

Submission:

Illumina Laboratory Services, Illumina
Classification: Likely benign for Peters plus syndrome. Last evaluated: 2018-01-12. Review status: criteria provided, single submitter. Criteria: ICSL Variant Classification Criteria 13 December 2019. Collection method: clinical testing. Allele origin: germline.
Comment: This variant was observed in the ICSL laboratory as part of a predisposition screen in an ostensibly healthy population. It had not been previously curated by ICSL or reported in the Human Gene Mutation Database (HGMD: prior to June 1st, 2018), and was therefore a candidate for classification through an automated scoring system. Utilizing variant allele frequency, disease prevalence and penetrance estimates, and inheritance mode, an automated score was calculated to assess if this variant is too frequent to cause the disease. Based on the score and internal cut-off values, a variant classified as likely benign is not then subjected to further curation. The score for this variant resulted in a classification of likely benign for this disease.